The following is an entry in ClinVar:

ClinVar aggregate classification (germline): Uncertain significance (1 of 4 stars; one submission).

Conditions:
Hereditary cancer-predisposing syndrome. Also called: Hereditary neoplastic syndrome; Hereditary Cancer Syndrome; Neoplastic Syndromes, Hereditary; Tumor predisposition. Identifiers: Orphanet 140162, MedGen C0027672, MeSH D009386, MONDO:0015356.

Allele frequency attached by ClinVar (database versions not stated): gnomAD exomes below 0.00001; TOPMed below 0.00001; gnomAD 0.00001.
gnomAD v4.1: 2 of 1,613,850 alleles (0.00012%); highest among the groups gnomAD compares: Non-Finnish European, 0.00017%; no homozygotes.

Submission:

Ambry Genetics
Classification: Uncertain significance for Hereditary cancer-predisposing syndrome. Last evaluated: 2023-04-13. Review status: criteria provided, single submitter. Criteria: Ambry Variant Classification Scheme 2023. Collection method: clinical testing. Allele origin: germline.
Comment: The p.S217Y variant (also known as c.650C>A), located in coding exon 4 of the KIT gene, results from a C to A substitution at nucleotide position 650. The serine at codon 217 is replaced by tyrosine, an amino acid with dissimilar properties. This amino acid position is conserved. In addition, the in silico prediction for this alteration is inconclusive. Since supporting evidence is limited at this time, the clinical significance of this alteration remains unclear.

NM_000222.3(KIT):c.650C>A (p.Ser217Tyr)

Gene: KIT (KIT proto-oncogene, receptor tyrosine kinase; plus strand). Cytogenetic location: 4q12.
Variant type: single nucleotide variant.
Coding change: c.650C>A on transcript NM_000222.3 (MANE Select); coding-DNA position 650, C replaced by A.
Protein change: p.Ser217Tyr; replaces serine 217 with tyrosine.
Molecular consequence: missense variant.
Genome position (GRCh38, 1-based): chr4:54,699,660, C>A. VCF-style: chr4-54699660-C-A. GRCh37 (hg19) VCF-style: chr4-55565826-C-A.
Other names: c.650C>A, p.Ser217Tyr (NM_001093772.2, NM_001385284.1, NM_001385285.1 and 4 more transcripts); short protein forms S217Y.
Identifiers: ClinVar variation 2568307 (VCV002568307.2), dbSNP rs1163691210, ClinGen allele CA356898203.